The following is an entry in ClinVar:

ClinVar aggregate classification (germline): Conflicting classifications of pathogenicity. Review status: criteria provided, conflicting classifications (1 of 4 stars). 5 submissions from 5 submitters: Uncertain significance (4); Likely benign (1). Last evaluated 2025-08-10.

Conditions:
Inborn genetic diseases. Identifiers: MedGen C0950123, MeSH D030342.

Allele frequency attached by ClinVar (database versions not stated): ESP Exome Variant Server 0.00008; 1000 Genomes Project 30x 0.00062; 1000 Genomes Project 0.00080.

Submissions (5):

Ambry Genetics
Classification: Uncertain significance for Inborn genetic diseases. Last evaluated: 2025-08-10. Review status: criteria provided, single submitter. Criteria: Ambry Variant Classification Scheme 2023. Collection method: clinical testing. Allele origin: germline.

Blueprint Genetics
Classification: Likely benign. Last evaluated: 2024-10-23. Review status: criteria provided, single submitter. Criteria: ACMG Guidelines, 2015. Collection method: clinical testing. Allele origin: germline.

GeneDx
Classification: Uncertain significance. Last evaluated: 2024-06-18. Review status: criteria provided, single submitter. Criteria: GeneDx Variant Classification Process June 2021. Collection method: clinical testing. Allele origin: germline. Affected: yes.
Comment: In silico analysis indicates that this missense variant does not alter protein structure/function; Has not been previously published as pathogenic or benign to our knowledge

Labcorp Genetics (formerly Invitae), Labcorp
Classification: Uncertain significance. Last evaluated: 2022-08-23. Review status: criteria provided, single submitter. Criteria: Invitae Variant Classification Sherloc (09022015). Collection method: clinical testing. Allele origin: germline.
Comment: This sequence change replaces arginine, which is basic and polar, with serine, which is neutral and polar, at codon 311 of the PYCR1 protein (p.Arg311Ser). This variant is present in population databases (rs143982437, gnomAD 0.04%). This variant has not been reported in the literature in individuals affected with PYCR1-related conditions. ClinVar contains an entry for this variant (Variation ID: 1176367). Algorithms developed to predict the effect of missense changes on protein structure and function (SIFT, PolyPhen-2, Align-GVGD) all suggest that this variant is likely to be tolerated. In summary, the available evidence is currently insufficient to determine the role of this variant in disease. Therefore, it has been classified as a Variant of Uncertain Significance.

CeGaT Center for Human Genetics Tuebingen
Classification: Uncertain significance. Last evaluated: 2021-04-01. Review status: criteria provided, single submitter. Criteria: CeGaT Center For Human Genetics Tuebingen Variant Classification Criteria Version 2. Collection method: clinical testing. Allele origin: germline. Affected: yes. Observed: 1 variant allele.

NM_006907.4(PYCR1):c.931C>A (p.Arg311Ser)

Gene: PYCR1 (pyrroline-5-carboxylate reductase 1; minus strand). Cytogenetic location: 17q25.3.
Variant type: single nucleotide variant.
Coding change: c.931C>A on transcript NM_006907.4 (MANE Select); coding-DNA position 931, C replaced by A.
Protein change: p.Arg311Ser; replaces arginine 311 with serine.
Molecular consequence: missense variant. On other transcripts: 3 prime UTR variant (1), intron variant (1).
Genome position (GRCh38, 1-based): chr17:81,933,243, G>T on the plus strand (C>A on the coding strand, the complement: PYCR1 is on the minus strand). VCF-style: chr17-81933243-G-T. GRCh37 (hg19) VCF-style: chr17-79891119-G-T.
Other names: c.838C>A, p.Arg280Ser (NM_001282279.2); c.931C>A, p.Arg311Ser (NM_001282280.2); c.1012C>A, p.Arg338Ser (NM_001282281.2); c.*113C>A (NM_001330523.2); c.867+64C>A (NM_153824.3); c.931C>A (NM_006907.2); short protein forms R280S, R311S, R338S.
Identifiers: ClinVar variation 1176367 (VCV001176367.41), dbSNP rs143982437, ClinGen allele CA8845230.